The following is an entry in ClinVar:

ClinVar aggregate classification (germline): Benign. Review status: criteria provided, single submitter (1 of 4 stars). 3 submissions from 1 submitter: Benign (3). Last evaluated 2018-01-13.

Conditions:
Familial cylindromatosis. Also called: Turban tumor syndrome; ANCELL-SPIEGLER CYLINDROMAS. Identifiers: Orphanet 211, Orphanet 79493, MedGen C1851526, MONDO:0007565, OMIM 132700.
Familial multiple trichoepitheliomata. Also called: Familial multiple trichoepithelioma. Identifiers: Orphanet 79493, Orphanet 867, MedGen C1275122, MONDO:0011114.
Brooke-Spiegler syndrome. Also called: CYLD Cutaneous Syndrome. Identifiers: Orphanet 79493, MedGen C1857941, MONDO:0011512, OMIM 605041.

Allele frequency attached by ClinVar (database versions not stated): gnomAD 0.00008 and 0.00046; TOPMed 0.00020; gnomAD exomes 0.00023; 1000 Genomes Project 0.00220; 1000 Genomes Project 30x 0.00234.
gnomAD v4.1: 89 of 233,132 alleles (0.038%); highest among the groups gnomAD compares: South Asian, 1.3%; 3 homozygotes.

Submissions (3):

Illumina Laboratory Services, Illumina
Classification: Benign for Brooke-Spiegler syndrome. Last evaluated: 2018-01-13. Review status: criteria provided, single submitter. Criteria: ICSL Variant Classification Criteria 13 December 2019. Collection method: clinical testing. Allele origin: germline.
Comment: This variant was observed in the ICSL laboratory as part of a predisposition screen in an ostensibly healthy population. It had not been previously curated by ICSL or reported in the Human Gene Mutation Database (HGMD: prior to June 1st, 2018), and was therefore a candidate for classification through an automated scoring system. Utilizing variant allele frequency, disease prevalence and penetrance estimates, and inheritance mode, an automated score was calculated to assess if this variant is too frequent to cause the disease. Based on the score and internal cut-off values, a variant classified as benign is not then subjected to further curation. The score for this variant resulted in a classification of benign for this disease.

Illumina Laboratory Services, Illumina
Classification: Benign for Trichoepithelioma, multiple familial, 1. Last evaluated: 2018-01-13. Review status: criteria provided, single submitter. Criteria: ICSL Variant Classification Criteria 13 December 2019. Collection method: clinical testing. Allele origin: germline.
Comment: the same text as in the submission from Illumina Laboratory Services, Illumina above.

Illumina Laboratory Services, Illumina
Classification: Benign for Familial cylindromatosis. Last evaluated: 2018-01-13. Review status: criteria provided, single submitter. Criteria: ICSL Variant Classification Criteria 13 December 2019. Collection method: clinical testing. Allele origin: germline.
Comment: the same text as in the submission from Illumina Laboratory Services, Illumina above.

NM_001378743.1(CYLD):c.*3614C>A

Genes: CYLD (CYLD lysine 63 deubiquitinase; plus strand), CYLD-AS2 (CYLD antisense RNA 2; minus strand). Cytogenetic location: 16q12.1.
Variant type: single nucleotide variant.
Coding change: c.*3614C>A on transcript NM_001378743.1 (MANE Select); 3614 bases downstream of the stop codon, C replaced by A.
Molecular consequence: 3 prime UTR variant. On other transcripts: non-coding transcript variant (1).
Genome position (GRCh38, 1-based): chr16:50,800,122, C>A. VCF-style: chr16-50800122-C-A. GRCh37 (hg19) VCF-style: chr16-50834033-C-A.
Other names: c.*3614C>A (NM_001042355.2, NM_001042412.3, NM_001378744.1 and 12 more transcripts).
Identifiers: ClinVar variation 319554 (VCV000319554.5), dbSNP rs372370285, ClinGen allele CA10647653.
Genomic context (GRCh38, chr16:50,800,122, plus strand): 5'-AGTAGGGACGAGAGACCTGCATTCTAGCCCTGTTTCTGTCACTTGCTCTGTACACTTAGA[C>A]AACAGCTTGACCTCTTGAGCTTTAGTTTCCTCCTCTGCATAATGAGAGGGTTAGACTACT-3'